The following is an entry in ClinVar:

ClinVar aggregate classification (germline): Uncertain significance (1 of 4 stars; one submission).

Conditions:
Hereditary cancer-predisposing syndrome. Also called: Neoplastic Syndromes, Hereditary; Tumor predisposition; Hereditary neoplastic syndrome; Hereditary Cancer Syndrome. Identifiers: Orphanet 140162, MedGen C0027672, MeSH D009386, MONDO:0015356.

Submission:

Ambry Genetics
Classification: Uncertain significance for Hereditary cancer-predisposing syndrome. Last evaluated: 2023-10-27. Review status: criteria provided, single submitter. Criteria: Ambry Variant Classification Scheme 2023. Collection method: clinical testing. Allele origin: germline.
Comment: The p.N103D variant (also known as c.307A>G), located in coding exon 5 of the BRCA1 gene, results from an A to G substitution at nucleotide position 307. The asparagine at codon 103 is replaced by aspartic acid, an amino acid with highly similar properties. This amino acid position is not well conserved in available vertebrate species. In addition, the in silico prediction for this alteration is inconclusive. Since supporting evidence is limited at this time, the clinical significance of this alteration remains unclear.

NM_007294.4(BRCA1):c.307A>G (p.Asn103Asp)

Gene: BRCA1 (BRCA1 DNA repair associated; minus strand). Cytogenetic location: 17q21.31.
Variant type: single nucleotide variant.
Coding change: c.307A>G on transcript NM_007294.4 (MANE Select); coding-DNA position 307, A replaced by G.
Protein change: p.Asn103Asp; replaces asparagine 103 with aspartic acid.
Molecular consequence: missense variant. On other transcripts: 5 prime UTR variant (7), intron variant (2).
Genome position (GRCh38, 1-based): chr17:43,104,256, T>C on the plus strand (A>G on the coding strand, the complement: BRCA1 is on the minus strand). VCF-style: chr17-43104256-T-C. GRCh37 (hg19) VCF-style: chr17-41256273-T-C.
Other names: c.166A>G, p.Asn56Asp (NM_001408462.1, NM_001408463.1, NM_001408464.1 and 99 more transcripts); c.307A>G, p.Asn103Asp (NM_001408472.1, NM_001408473.1, NM_001408494.1 and 165 more transcripts); c.229A>G, p.Asn77Asp (NM_001408474.1, NM_001408475.1, NM_001408476.1 and 21 more transcripts); c.97A>G, p.Asn33Asp (NM_001408478.1, NM_001408479.1, NM_001408480.1 and 58 more transcripts); c.-75A>G (NM_001408510.1, NM_001408512.1, NM_001407959.1 and 4 more transcripts); c.-218-9396A>G (NM_001407967.1, NM_001407966.1); c.298A>G, p.Asn100Asp (NM_001407646.1, NM_001407647.1, NM_001408408.1); c.175A>G, p.Asn59Asp (NM_001408451.1); short protein forms N100D, N103D, N33D, N56D, N59D, N77D.
Identifiers: ClinVar variation 3226131 (VCV003226131.1), dbSNP rs1009044335, ClinGen allele CA10601538.
Genomic context (GRCh38, chr17:43,104,256, plus strand): 5'-AAACTTCATCTTTTAGATGTTCAGGAGAGTTATTTTCCTTTTTTGCAAAATTATAGCTGT[T>C]TGCATCTGTAAAATACAAGGGAAAACATTATGTTTGCAGTTAGAGAAAAATGTATGAATT-3'
Protein context (NP_009225.1, residues 93-113): FQLDTGLEYA[Asn103Asp]SYNFAKKENN